The following is an entry in ClinVar:

ClinVar aggregate classification (germline): Uncertain significance (1 of 4 stars; one submission).

Conditions:
Inborn genetic diseases. Identifiers: MedGen C0950123, MeSH D030342.

gnomAD v4.1: 29 of 1,613,974 alleles (0.0018%); highest among the groups gnomAD compares: African/African-American, 0.0027%; no homozygotes.

Submission:

Ambry Genetics
Classification: Uncertain significance for Inborn genetic diseases. Last evaluated: 2024-11-25. Review status: criteria provided, single submitter. Criteria: Ambry Variant Classification Scheme 2023. Collection method: clinical testing. Allele origin: germline.
Comment: The p.A472S variant (also known as c.1414G>T), located in coding exon 8 of the MECOM gene, results from a G to T substitution at nucleotide position 1414. The alanine at codon 472 is replaced by serine, an amino acid with similar properties. This amino acid position is conserved. In addition, this alteration is predicted to be tolerated by in silico analysis. Based on the available evidence, the clinical significance of this variant remains unclear.

NM_004991.4(MECOM):c.1414G>T (p.Ala472Ser)

Gene: MECOM (MDS1 and EVI1 complex locus; minus strand). Cytogenetic location: 3q26.2.
Variant type: single nucleotide variant.
Coding change: c.1414G>T on transcript NM_004991.4 (MANE Select); coding-DNA position 1414, G replaced by T.
Protein change: p.Ala472Ser; replaces alanine 472 with serine.
Molecular consequence: missense variant. On other transcripts: intron variant (2).
Genome position (GRCh38, 1-based): chr3:169,116,458, C>A on the plus strand (G>T on the coding strand, the complement: MECOM is on the minus strand). VCF-style: chr3-169116458-C-A. GRCh37 (hg19) VCF-style: chr3-168834246-C-A.
Other names: c.1045G>T, p.Ala349Ser (NM_001105077.4); c.850G>T, p.Ala284Ser (NM_001105078.4, NM_001164000.2, NM_001205194.2 and 4 more transcripts); c.853G>T, p.Ala285Ser (NM_001163999.2, NM_001366467.2, NM_001366468.2 and 1 more transcripts); c.1414G>T, p.Ala472Ser (NM_001366466.2); c.1133-691G>T (NM_001366473.2); c.569-691G>T (NM_001366474.2); short protein forms A472S, A285S, A284S, A349S.
Identifiers: ClinVar variation 3394310 (VCV003394310.1).